The following is an entry in ClinVar:

ClinVar aggregate classification (germline): Uncertain significance (1 of 4 stars; one submission).

Conditions:
Arrhythmogenic right ventricular dysplasia 5. Also called: Arrhythmogenic Right Ventricular Dysplasia/Cardiomyopathy 5; ARRHYTHMOGENIC RIGHT VENTRICULAR DYSPLASIA, FAMILIAL, 5. Identifiers: MedGen C1858379, MONDO:0011459, OMIM 604400.

gnomAD v4.1: 6 of 1,613,210 alleles (0.00037%); highest among the groups gnomAD compares: Non-Finnish European, 0.00051%; no homozygotes.

Submission:

All of Us Research Program, National Institutes of Health
Classification: Uncertain significance for Arrhythmogenic right ventricular dysplasia 5. Last evaluated: 2023-12-18. Review status: criteria provided, single submitter. Criteria: ACMG Guidelines, 2015. Collection method: clinical testing. Allele origin: germline. Inheritance: Autosomal dominant inheritance. Observed: 1 variant allele, 1 heterozygote.
Comment: This missense variant replaces threonine with serine at codon 332 of the TMEM43 protein. Computational prediction suggests that this variant may not impact protein structure and function (internally defined REVEL score threshold <= 0.5, PMID: 27666373). To our knowledge, functional studies have not been reported for this variant. This variant has not been reported in individuals affected with TMEM43-related disorders in the literature. This variant has not been identified in the general population by the Genome Aggregation Database (gnomAD). The available evidence is insufficient to determine the role of this variant in disease conclusively. Therefore, this variant is classified as a Variant of Uncertain Significance.

This study involves interpretation of variants in research participants for the purpose of population health screening. Participant phenotype was not available at the time of variant classification. Additional details can be found in publication PMID: 35346344, PMCID: PMC8962531

NM_024334.3(TMEM43):c.995C>G (p.Thr332Ser)

Gene: TMEM43 (transmembrane protein 43; plus strand). Cytogenetic location: 3p25.1.
Variant type: single nucleotide variant.
Coding change: c.995C>G on transcript NM_024334.3 (MANE Select); coding-DNA position 995, C replaced by G.
Protein change: p.Thr332Ser; replaces threonine 332 with serine.
Molecular consequence: missense variant.
Genome position (GRCh38, 1-based): chr3:14,139,292, C>G. VCF-style: chr3-14139292-C-G. GRCh37 (hg19) VCF-style: chr3-14180792-C-G.
Other names: c.998C>G, p.Thr333Ser (NM_001407274.1); c.992C>G, p.Thr331Ser (NM_001407275.1, NM_001407276.1); c.989C>G, p.Thr330Ser (NM_001407277.1); c.980C>G, p.Thr327Ser (NM_001407278.1); c.920C>G, p.Thr307Ser (NM_001407279.1); c.845C>G, p.Thr282Ser (NM_001407280.1); short protein forms T282S, T307S, T327S, T330S, T331S, T332S, T333S.
Identifiers: ClinVar variation 3075092 (VCV003075092.1), dbSNP rs1695218764, ClinGen allele CA351536319.